The following is an entry in ClinVar:

ClinVar aggregate classification (germline): Uncertain significance. Review status: criteria provided, multiple submitters, no conflicts (2 of 4 stars). 2 submissions from 2 submitters: Uncertain significance (2). Last evaluated 2026-01-25.

Conditions:
Cataract 39 multiple types. Also called: Cataract 39, multiple types, autosomal dominant. Identifiers: Orphanet 91492, MedGen C3808800, MONDO:0014075, OMIM 615188.

gnomAD v4.1: 22 of 1,614,166 alleles (0.0014%); highest among the groups gnomAD compares: African/African-American, 0.015%; no homozygotes.

Submissions (2):

Labcorp Genetics (formerly Invitae), Labcorp
Classification: Uncertain significance for Cataract 39 multiple types. Last evaluated: 2026-01-25. Review status: criteria provided, single submitter. Criteria: Invitae Variant Classification Sherloc (09022015). Collection method: clinical testing. Allele origin: germline.
Comment: This sequence change replaces arginine, which is basic and polar, with histidine, which is basic and polar, at codon 116 of the CRYGB protein (p.Arg116His). This variant is present in population databases (rs548066116, gnomAD 0.02%). This variant has not been reported in the literature in individuals affected with CRYGB-related conditions. ClinVar contains an entry for this variant (Variation ID: 4234708). An algorithm developed to predict the effect of missense changes on protein structure and function outputs the following: PolyPhen-2: "Benign". The histidine amino acid residue is found in multiple mammalian species, which suggests that this missense change does not adversely affect protein function. In summary, the available evidence is currently insufficient to determine the role of this variant in disease. Therefore, it has been classified as a Variant of Uncertain Significance.

Ambry Genetics
Classification: Uncertain significance. Last evaluated: 2025-08-30. Review status: criteria provided, single submitter. Criteria: Ambry Variant Classification Scheme 2023. Collection method: clinical testing. Allele origin: germline.

NM_005210.4(CRYGB):c.347G>A (p.Arg116His)

Genes: CRYGB (crystallin gamma B; minus strand), LOC100507443 (uncharacterized LOC100507443; plus strand). Cytogenetic location: 2q33.3.
Variant type: single nucleotide variant.
Coding change: c.347G>A on transcript NM_005210.4 (MANE Select); coding-DNA position 347, G replaced by A.
Protein change: p.Arg116His; replaces arginine 116 with histidine.
Molecular consequence: missense variant.
Genome position (GRCh38, 1-based): chr2:208,142,819, C>T on the plus strand (G>A on the coding strand, the complement: CRYGB is on the minus strand). VCF-style: chr2-208142819-C-T. GRCh37 (hg19) VCF-style: chr2-209007543-C-T.
Other names: short protein forms R116H.
Identifiers: ClinVar variation 4234708 (VCV004234708.2).